The following is an entry in ClinVar:

NM_033026.6(PCLO):c.6367G>A (p.Ala2123Thr)

Gene: PCLO (piccolo presynaptic cytomatrix protein; minus strand). Cytogenetic location: 7q21.11.
Variant type: single nucleotide variant.
Coding change: c.6367G>A on transcript NM_033026.6 (MANE Select); coding-DNA position 6367, G replaced by A.
Protein change: p.Ala2123Thr; replaces alanine 2123 with threonine.
Molecular consequence: missense variant.
Genome position (GRCh38, 1-based): chr7:82,954,586, C>T on the plus strand (G>A on the coding strand, the complement: PCLO is on the minus strand). VCF-style: chr7-82954586-C-T. GRCh37 (hg19) VCF-style: chr7-82583902-C-T.
Other names: c.6367G>A, p.Ala2123Thr (NM_014510.3); short protein forms A2123T.
Identifiers: ClinVar variation 1390544 (VCV001390544.6), dbSNP rs540976670, ClinGen allele CA161147594.

ClinVar aggregate classification (germline): Uncertain significance (1 of 4 stars; one submission).

Allele frequency attached by ClinVar (database versions not stated): gnomAD exomes below 0.00001.
gnomAD v4.1: 4 of 1,613,906 alleles (0.00025%); highest among the groups gnomAD compares: African/African-American, 0.004%; no homozygotes.

Submission:

Labcorp Genetics (formerly Invitae), Labcorp
Classification: Uncertain significance. Last evaluated: 2022-08-22. Review status: criteria provided, single submitter. Criteria: Invitae Variant Classification Sherloc (09022015). Collection method: clinical testing. Allele origin: germline.
Comment: In summary, the available evidence is currently insufficient to determine the role of this variant in disease. Therefore, it has been classified as a Variant of Uncertain Significance. Algorithms developed to predict the effect of missense changes on protein structure and function output the following: SIFT: "Tolerated"; PolyPhen-2: "Not Available"; Align-GVGD: "Class C0". The threonine amino acid residue is found in multiple mammalian species, which suggests that this missense change does not adversely affect protein function. ClinVar contains an entry for this variant (Variation ID: 1390544). This variant has not been reported in the literature in individuals affected with PCLO-related conditions. This variant is not present in population databases (gnomAD no frequency). This sequence change replaces alanine, which is neutral and non-polar, with threonine, which is neutral and polar, at codon 2123 of the PCLO protein (p.Ala2123Thr).